The following is an entry in ClinVar:

NM_000059.4(BRCA2):c.3769C>T (p.Pro1257Ser)

Gene: BRCA2 (BRCA2 DNA repair associated; plus strand). Cytogenetic location: 13q13.1.
Variant type: single nucleotide variant.
Coding change: c.3769C>T on transcript NM_000059.4 (MANE Select); coding-DNA position 3769, C replaced by T.
Protein change: p.Pro1257Ser; replaces proline 1257 with serine.
Molecular consequence: missense variant.
Genome position (GRCh38, 1-based): chr13:32,338,124, C>T. VCF-style: chr13-32338124-C-T. GRCh37 (hg19) VCF-style: chr13-32912261-C-T.
Other names: short protein forms P1257S.
Identifiers: ClinVar variation 441425 (VCV000441425.8), dbSNP rs1060502438, ClinGen allele CA387778254.

ClinVar aggregate classification (germline): Conflicting classifications of pathogenicity. Review status: criteria provided, conflicting classifications (1 of 4 stars). 2 submissions from 2 submitters: Uncertain significance (1); Likely benign (1). Last evaluated 2024-08-18.

Conditions:
Hereditary cancer-predisposing syndrome. Also called: Hereditary Cancer Syndrome; Hereditary neoplastic syndrome; Neoplastic Syndromes, Hereditary; Tumor predisposition. Identifiers: Orphanet 140162, MedGen C0027672, MeSH D009386, MONDO:0015356.

Submissions (2):

Ambry Genetics
Classification: Uncertain significance for Hereditary cancer-predisposing syndrome. Last evaluated: 2024-08-18. Review status: criteria provided, single submitter. Criteria: Ambry Variant Classification Scheme 2023. Collection method: clinical testing. Allele origin: germline.
Comment: The p.P1257S variant (also known as c.3769C>T), located in coding exon 10 of the BRCA2 gene, results from a C to T substitution at nucleotide position 3769. The proline at codon 1257 is replaced by serine, an amino acid with similar properties. This amino acid position is not well conserved in available vertebrate species. In addition, this alteration is predicted to be tolerated by in silico analysis. Since supporting evidence is limited at this time, the clinical significance of this alteration remains unclear.

University of Washington Department of Laboratory Medicine, University of Washington
Classification: Likely benign for Hereditary cancer-predisposing syndrome. Last evaluated: 2023-03-23. Review status: criteria provided, single submitter. Criteria: Dines et al. (Genet Med. 2020). Collection method: curation. Allele origin: germline.
Comment: Missense variant in a coldspot region where missense variants are very unlikely to be pathogenic (PMID:31911673).

BRCA2 exon 11 coldspot. Reclassification based on statistical prior probability.